The following is an entry in ClinVar:

ClinVar aggregate classification (germline): Conflicting classifications of pathogenicity. Review status: criteria provided, conflicting classifications (1 of 4 stars). 3 submissions from 3 submitters: Uncertain significance (2); Likely benign (1). Last evaluated 2025-08-11.

Conditions:
Hereditary breast ovarian cancer syndrome. Also called: Hereditary breast and ovarian cancer; Hereditary breast and/or ovarian cancer syndrome; Hereditary breast and ovarian cancer syndrome; Hereditary breast and ovarian cancer syndrome (HBOC); Breast and ovarian cancer; BRCA1- and BRCA2-Associated Hereditary Breast and Ovarian Cancer. Identifiers: Orphanet 145, MedGen C0677776, MeSH D061325, MONDO:0003582. Disease mechanism: loss of function.
Hereditary cancer-predisposing syndrome. Also called: Hereditary neoplastic syndrome; Tumor predisposition; Neoplastic Syndromes, Hereditary; Hereditary Cancer Syndrome. Identifiers: Orphanet 140162, MedGen C0027672, MeSH D009386, MONDO:0015356.

Submissions (3):

Labcorp Genetics (formerly Invitae), Labcorp
Classification: Uncertain significance for Hereditary breast ovarian cancer syndrome. Last evaluated: 2025-08-11. Review status: criteria provided, single submitter. Criteria: Invitae Variant Classification Sherloc (09022015). Collection method: clinical testing. Allele origin: germline.
Comment: This sequence change replaces arginine, which is basic and polar, with threonine, which is neutral and polar, at codon 610 of the BRCA1 protein (p.Arg610Thr). This variant is not present in population databases (gnomAD no frequency). This variant has not been reported in the literature in individuals affected with BRCA1-related conditions. ClinVar contains an entry for this variant (Variation ID: 418825). Invitae Evidence Modeling of protein sequence and biophysical properties (such as structural, functional, and spatial information, amino acid conservation, physicochemical variation, residue mobility, and thermodynamic stability) indicates that this missense variant is expected to disrupt BRCA1 protein function with a positive predictive value of 80%. Experimental studies have shown that this missense change does not substantially affect BRCA1 function (PMID: 36833189). In summary, the available evidence is currently insufficient to determine the role of this variant in disease. Therefore, it has been classified as a Variant of Uncertain Significance.

University of Washington Department of Laboratory Medicine, University of Washington
Classification: Likely benign for Hereditary cancer-predisposing syndrome. Last evaluated: 2023-03-23. Review status: criteria provided, single submitter. Criteria: Dines et al. (Genet Med. 2020). Collection method: curation. Allele origin: germline.
Comment: Missense variant in a coldspot region where missense variants are very unlikely to be pathogenic (PMID:31911673).

BRCA1 coldspot (exon 11 using historical exon numbering). Reclassification based on statistical prior probability

GeneDx
Classification: Uncertain significance. Last evaluated: 2015-04-01. Review status: criteria provided, single submitter. Criteria: GeneDx Variant Classification (06012015). Collection method: clinical testing. Allele origin: germline. Affected: yes.
Comment: This variant is denoted BRCA1 c.1829G>C at the cDNA level, p.Arg610Thr (R610T) at the protein level, and results in the change of an Arginine to a Threonine (AGG>ACG). Using alternate nomenclature, this variant would be defined as BRCA1 1948G>C. This variant has not, to our knowledge, been published in the literature as pathogenic or benign. BRCA1 Arg610Thr was not observed in approximately 6,500 individuals of European and African American ancestry in the NHLBI Exome Sequencing Project, indicating it is not a common benign variant in these populations. Since Arginine and Threonine differ in some properties, this is considered a semi-conservative amino acid substitution. BRCA1 Arg610Thr occurs at a position that is conserved among mammals and is located within the DNA binding domain (Narod 1994). In silico analyses are inconsistent regarding the effect this variant may have on protein structure and function. Based on currently available information, it is unclear whether BRCA1 Arg610Thr is pathogenic or benign. We consider it to be a variant of uncertain significance.

Literature cited by the submitters: PubMed 36833189 (cited by Labcorp Genetics (formerly Invitae), Labcorp).

NM_007294.4(BRCA1):c.1829G>C (p.Arg610Thr)

Gene: BRCA1 (BRCA1 DNA repair associated; minus strand). Cytogenetic location: 17q21.31.
Variant type: single nucleotide variant.
Coding change: c.1829G>C on transcript NM_007294.4 (MANE Select); coding-DNA position 1829, G replaced by C.
Protein change: p.Arg610Thr; replaces arginine 610 with threonine.
Molecular consequence: missense variant. On other transcripts: intron variant (137).
Genome position (GRCh38, 1-based): chr17:43,093,702, C>G on the plus strand (G>C on the coding strand, the complement: BRCA1 is on the minus strand). VCF-style: chr17-43093702-C-G. GRCh37 (hg19) VCF-style: chr17-41245719-C-G.
Other names: c.661+1042G>C (NM_001408445.1, NM_001408432.1, NM_001408450.1 and 6 more transcripts); c.667+2144G>C (NM_001408431.1, NM_001408424.1, NM_001408421.1); c.784+1042G>C (NM_001408407.1, NM_001408402.1, NM_001408473.1 and 13 more transcripts); c.664+1042G>C (NM_001408443.1, NM_001408439.1, NM_001408425.1 and 12 more transcripts); c.670+2144G>C (NM_001408419.1, NM_001408422.1, NM_001408418.1 and 2 more transcripts); c.787+1042G>C (NM_001408403.1, NM_001407983.1, NM_001407975.1 and 19 more transcripts); c.790+1039G>C (NM_001408406.1); c.646+1042G>C (NM_001408456.1, NM_001408410.1, NM_001408458.1 and 11 more transcripts); and 40 more; short protein forms R610T, R563T, R314T, R498T, R521T, R539T, R540T, R562T.
Identifiers: ClinVar variation 418825 (VCV000418825.6), dbSNP rs876660322, ClinGen allele CA10598358.
Genomic context (GRCh38, chr17:43,093,702, plus strand): 5'-TTTCTACTGACTACTAGTTCAAGCGCATGAATATGCCTGGTAGAAGACTTCCTCCTCAGC[C>G]TATTCTTTTTAGGTGCTTTTGAATTGTGGATATTTAATTCGAGTTCCATATTGCTTATAC-3'
Protein context (NP_009225.1, residues 600-620): IHNSKAPKKN[Arg610Thr]LRRKSSTRHI